The following is an entry in ClinVar:

NM_001029883.3(PCARE):c.121A>G (p.Ile41Val)

Gene: PCARE (photoreceptor cilium actin regulator; minus strand). Cytogenetic location: 2p23.2.
Variant type: single nucleotide variant.
Coding change: c.121A>G on transcript NM_001029883.3 (MANE Select); coding-DNA position 121, A replaced by G.
Protein change: p.Ile41Val; replaces isoleucine 41 with valine.
Molecular consequence: missense variant.
Genome position (GRCh38, 1-based): chr2:29,074,141, T>C on the plus strand (A>G on the coding strand, the complement: PCARE is on the minus strand). VCF-style: chr2-29074141-T-C. GRCh37 (hg19) VCF-style: chr2-29297007-T-C.
Other names: short protein forms I41V.
Identifiers: ClinVar variation 1057034 (VCV001057034.9), dbSNP rs200614399, ClinGen allele CA1592714.

ClinVar aggregate classification (germline): Uncertain significance (1 of 4 stars; one submission).

Allele frequency attached by ClinVar (database versions not stated): gnomAD 0.00001; ESP Exome Variant Server 0.00008; gnomAD exomes below 0.00001; ExAC 0.00001; TOPMed 0.00002.
gnomAD v4.1: 8 of 1,612,968 alleles (0.0005%); highest among the groups gnomAD compares: Non-Finnish European, 0.00059%; no homozygotes.

Submission:

Labcorp Genetics (formerly Invitae), Labcorp
Classification: Uncertain significance. Last evaluated: 2022-06-17. Review status: criteria provided, single submitter. Criteria: Invitae Variant Classification Sherloc (09022015). Collection method: clinical testing. Allele origin: germline.
Comment: In summary, the available evidence is currently insufficient to determine the role of this variant in disease. Therefore, it has been classified as a Variant of Uncertain Significance. Algorithms developed to predict the effect of missense changes on protein structure and function output the following: SIFT: "Deleterious"; PolyPhen-2: "Benign"; Align-GVGD: "Class C0". The valine amino acid residue is found in multiple mammalian species, which suggests that this missense change does not adversely affect protein function. ClinVar contains an entry for this variant (Variation ID: 1057034). This variant has not been reported in the literature in individuals affected with PCARE-related conditions. This variant is present in population databases (rs200614399, gnomAD 0.002%). This sequence change replaces isoleucine, which is neutral and non-polar, with valine, which is neutral and non-polar, at codon 41 of the PCARE protein (p.Ile41Val).